The following is an entry in ClinVar:

ClinVar aggregate classification (germline): Conflicting classifications of pathogenicity. Review status: criteria provided, conflicting classifications (1 of 4 stars). 2 submissions from 2 submitters: Uncertain significance (1); Likely benign (1). Last evaluated 2025-12-01.

Allele frequency attached by ClinVar (database versions not stated): ESP Exome Variant Server 0.00008.
gnomAD v4.1: 150 of 1,608,488 alleles (0.0093%); highest among the groups gnomAD compares: South Asian, 0.019%; 1 homozygote.

Submissions (2):

CeGaT Center for Human Genetics Tuebingen
Classification: Likely benign. Last evaluated: 2025-12-01. Review status: criteria provided, single submitter. Criteria: CeGaT Center For Human Genetics Tuebingen Variant Classification Criteria Version 2. Collection method: clinical testing. Allele origin: germline. Affected: yes. Observed: 1 variant allele.
Comment: LAMA5: BP4, BS2

Labcorp Genetics (formerly Invitae), Labcorp
Classification: Uncertain significance. Last evaluated: 2023-08-17. Review status: criteria provided, single submitter. Criteria: Invitae Variant Classification Sherloc (09022015). Collection method: clinical testing. Allele origin: germline.
Comment: In summary, the available evidence is currently insufficient to determine the role of this variant in disease. Therefore, it has been classified as a Variant of Uncertain Significance. Algorithms developed to predict the effect of missense changes on protein structure and function output the following: SIFT: "Not Available"; PolyPhen-2: "Benign"; Align-GVGD: "Not Available". The glutamine amino acid residue is found in multiple mammalian species, which suggests that this missense change does not adversely affect protein function. This variant has not been reported in the literature in individuals affected with LAMA5-related conditions. This variant is present in population databases (rs150944918, gnomAD 0.01%). This sequence change replaces arginine, which is basic and polar, with glutamine, which is neutral and polar, at codon 2220 of the LAMA5 protein (p.Arg2220Gln).

NM_005560.6(LAMA5):c.6659G>A (p.Arg2220Gln)

Gene: LAMA5 (laminin subunit alpha 5; minus strand). Cytogenetic location: 20q13.33.
Variant type: single nucleotide variant.
Coding change: c.6659G>A on transcript NM_005560.6 (MANE Select); coding-DNA position 6659, G replaced by A.
Protein change: p.Arg2220Gln; replaces arginine 2220 with glutamine.
Molecular consequence: missense variant.
Genome position (GRCh38, 1-based): chr20:62,320,659, C>T on the plus strand (G>A on the coding strand, the complement: LAMA5 is on the minus strand). VCF-style: chr20-62320659-C-T. GRCh37 (hg19) VCF-style: chr20-60895715-C-T.
Other names: short protein forms R2220Q.
Identifiers: ClinVar variation 2848824 (VCV002848824.7), dbSNP rs150944918, ClinGen allele CA9941621.